The following is an entry in ClinVar:

NM_144498.4(OSBPL2):c.810T>C (p.Phe270=)

Gene: OSBPL2 (oxysterol binding protein like 2; plus strand). Cytogenetic location: 20q13.33.
Variant type: single nucleotide variant.
Coding change: c.810T>C on transcript NM_144498.4 (MANE Select); coding-DNA position 810, T replaced by C.
Protein change: p.Phe270=; no amino-acid change (phenylalanine 270 retained).
Molecular consequence: synonymous variant.
Genome position (GRCh38, 1-based): chr20:62,281,817, T>C. VCF-style: chr20-62281817-T-C. GRCh37 (hg19) VCF-style: chr20-60856873-T-C.
Other names: c.534T>C, p.Phe178= (NM_001278649.3, NM_001363878.2); c.774T>C, p.Phe258= (NM_014835.5).
Identifiers: ClinVar variation 737946 (VCV000737946.11), dbSNP rs761549244, ClinGen allele CA9938573.
Genomic context (GRCh38, chr20:62,281,817, plus strand): 5'-TGCAGCAGAAACCTGTGTTTGTTTTTCTCACAGAACTGGACATAAGTGTGTGCTTCACTT[T>C]AAACCGTGTGGATTATTTGGAAAAGAACTTCACAAGGTGGAAGGACACATTCAAGACAAA-3'
Protein context (NP_653081.1, residues 260-280): HRTGHKCVLH[Phe270=]KPCGLFGKEL

ClinVar aggregate classification (germline): Likely benign. Review status: criteria provided, multiple submitters, no conflicts (2 of 4 stars). 2 submissions from 2 submitters: Likely benign (2). Last evaluated 2026-03-01.

Allele frequency attached by ClinVar (database versions not stated): ExAC 0.00006; gnomAD exomes 0.00007 and 0.00010; TOPMed 0.00011; gnomAD 0.00015.
gnomAD v4.1: 161 of 1,612,078 alleles (0.01%); highest among the groups gnomAD compares: Non-Finnish European, 0.013%; no homozygotes.

Submissions (2):

CeGaT Center for Human Genetics Tuebingen
Classification: Likely benign. Last evaluated: 2026-03-01. Review status: criteria provided, single submitter. Criteria: CeGaT Center For Human Genetics Tuebingen Variant Classification Criteria Version 2. Collection method: clinical testing. Allele origin: germline. Affected: yes. Observed: 1 variant allele.
Comment: OSBPL2: BP4, BP7

Labcorp Genetics (formerly Invitae), Labcorp
Classification: Likely benign. Last evaluated: 2024-02-08. Review status: criteria provided, single submitter. Criteria: Invitae Variant Classification Sherloc (09022015). Collection method: clinical testing. Allele origin: germline.